The following is an entry in ClinVar:

ClinVar aggregate classification (germline): Uncertain significance (1 of 4 stars; one submission).

Allele frequency attached by ClinVar (database versions not stated): gnomAD exomes below 0.00001; ExAC 0.00001.
gnomAD v4.1: 3 of 1,612,164 alleles (0.00019%); highest among the groups gnomAD compares: Non-Finnish European, 0.00025%; no homozygotes.

Submission:

Labcorp Genetics (formerly Invitae), Labcorp
Classification: Uncertain significance. Last evaluated: 2021-03-02. Review status: criteria provided, single submitter. Criteria: Invitae Variant Classification Sherloc (09022015). Collection method: clinical testing. Allele origin: germline.
Comment: This sequence change replaces proline with leucine at codon 1483 of the KIAA1549 protein (p.Pro1483Leu). The proline residue is highly conserved and there is a moderate physicochemical difference between proline and leucine. This variant is present in population databases (rs758910705, ExAC 0.002%). This variant has not been reported in the literature in individuals with KIAA1549-related conditions. Algorithms developed to predict the effect of missense changes on protein structure and function (SIFT, PolyPhen-2, Align-GVGD) all suggest that this variant is likely to be disruptive, but these predictions have not been confirmed by published functional studies and their clinical significance is uncertain. In summary, the available evidence is currently insufficient to determine the role of this variant in disease. Therefore, it has been classified as a Variant of Uncertain Significance.

NM_001164665.2(KIAA1549):c.4448C>T (p.Pro1483Leu)

Gene: KIAA1549 (KIAA1549; minus strand). Cytogenetic location: 7q34.
Variant type: single nucleotide variant.
Coding change: c.4448C>T on transcript NM_001164665.2 (MANE Select); coding-DNA position 4448, C replaced by T.
Protein change: p.Pro1483Leu; replaces proline 1483 with leucine.
Molecular consequence: missense variant.
Genome position (GRCh38, 1-based): chr7:138,871,260, G>A on the plus strand (C>T on the coding strand, the complement: KIAA1549 is on the minus strand). VCF-style: chr7-138871260-G-A. GRCh37 (hg19) VCF-style: chr7-138556006-G-A.
Other names: c.4448C>T, p.Pro1483Leu (NM_020910.3); short protein forms P1483L.
Identifiers: ClinVar variation 1485024 (VCV001485024.8), dbSNP rs758910705, ClinGen allele CA4505894.
Genomic context (GRCh38, chr7:138,871,260, plus strand): 5'-GAGGGGCGCTGGACGGGAGGTGCCGGGATCGGCTGCATGGCGATAAGCTGGATCTTACTG[G>A]GGACCCGCCGGCTAGCCTCCGGGGGGCGGGAGATCCTGTCCACGTGCTCGAAGATGGAGG-3'
Protein context (NP_001158137.1, residues 1473-1493): SRPPEASRRV[Pro1483Leu]SKIQLIAMQP